The following is an entry in ClinVar:

ClinVar aggregate classification (germline): Uncertain significance (1 of 4 stars; one submission).

gnomAD v4.1: 8 of 1,540,062 alleles (0.00052%); highest among the groups gnomAD compares: African/African-American, 0.0096%; no homozygotes.

Submission:

Labcorp Genetics (formerly Invitae), Labcorp
Classification: Uncertain significance. Last evaluated: 2025-11-13. Review status: criteria provided, single submitter. Criteria: Invitae Variant Classification Sherloc (09022015). Collection method: clinical testing. Allele origin: germline.
Comment: This sequence change replaces glutamine, which is neutral and polar, with histidine, which is basic and polar, at codon 115 of the ARID1B protein (p.Gln115His). The frequency data for this variant in the population databases is considered unreliable, as metrics indicate poor data quality at this position in the gnomAD database. This variant has not been reported in the literature in individuals affected with ARID1B-related conditions. Invitae Evidence Modeling of protein sequence and biophysical properties (such as structural, functional, and spatial information, amino acid conservation, physicochemical variation, residue mobility, and thermodynamic stability) indicates that this missense variant is not expected to disrupt ARID1B protein function with a negative predictive value of 95%. In summary, the available evidence is currently insufficient to determine the role of this variant in disease. Therefore, it has been classified as a Variant of Uncertain Significance.

NM_001374828.1(ARID1B):c.594G>C (p.Gln198His)

Genes: ARID1B (AT-rich interaction domain 1B; plus strand), LOC115308161 (uncharacterized LOC115308161; minus strand). Cytogenetic location: 6q25.3.
Variant type: single nucleotide variant.
Coding change: c.594G>C on transcript NM_001374828.1 (MANE Select); coding-DNA position 594, G replaced by C.
Protein change: p.Gln198His; replaces glutamine 198 with histidine.
Molecular consequence: missense variant. On other transcripts: non-coding transcript variant (1).
Genome position (GRCh38, 1-based): chr6:156,778,274, G>C. VCF-style: chr6-156778274-G-C. GRCh37 (hg19) VCF-style: chr6-157099408-G-C.
Other names: c.594G>C, p.Gln198His (NM_001371656.1, NM_001374820.1, NM_001438482.1 and 9 more transcripts); short protein forms Q198H.
Identifiers: ClinVar variation 4741550 (VCV004741550.1).
Genomic context (GRCh38, chr6:156,778,274, plus strand): 5'-CCATGCCCACCACCTCCACCACCACCACGCACTACAGCAGCAGCTAAACCAGTTCCAGCA[G>C]CAGCAGCAGCAGCAGCAACAGCAGCAGCAGCAGCAGCAGCAACAGCAACATCCCATTTCC-3'
Protein context (NP_001361757.1, residues 188-208): ALQQQLNQFQ[Gln198His]QQQQQQQQQQ